The following is an entry in ClinVar:

ClinVar aggregate classification (germline): Uncertain significance (1 of 4 stars; one submission).

Allele frequency attached by ClinVar (database versions not stated): gnomAD exomes below 0.00001.
gnomAD v4.1: 1 of 1,613,500 alleles (0.000062%); highest among the groups gnomAD compares: Non-Finnish European, 0.000085%; no homozygotes.

Submission:

ARUP Laboratories, Molecular Genetics and Genomics, ARUP Laboratories
Classification: Uncertain significance. Last evaluated: 2020-08-06. Review status: criteria provided, single submitter. Criteria: ARUP Molecular Germline Variant Investigation Process. Collection method: clinical testing. Allele origin: germline.
Comment: The POR c.124A>G; p.Thr42Ala variant, to our knowledge, is not reported in the medical literature or gene specific databases. This variant is also absent from general population databases (Exome Variant Server, Genome Aggregation Database), indicating it is not a common polymorphism. The threonine at codon 42 is moderately conserved, and computational analyses (SIFT, PolyPhen-2) predict that this variant is tolerated. Due to limited information, the clinical significance of the p.Thr42Ala variant is uncertain at this time.

NM_001395413.1(POR):c.115A>G (p.Thr39Ala)

Gene: POR (cytochrome p450 oxidoreductase; plus strand). Cytogenetic location: 7q11.23.
Variant type: single nucleotide variant.
Coding change: c.115A>G on transcript NM_001395413.1 (MANE Select); coding-DNA position 115, A replaced by G.
Protein change: p.Thr39Ala; replaces threonine 39 with alanine.
Molecular consequence: missense variant.
Genome position (GRCh38, 1-based): chr7:75,954,116, A>G. VCF-style: chr7-75954116-A-G. GRCh37 (hg19) VCF-style: chr7-75583434-A-G.
Other names: c.115A>G, p.Thr39Ala (NM_001367562.3, NM_001382655.3, NM_001382657.2 and 3 more transcripts); short protein forms T39A.
Identifiers: ClinVar variation 994380 (VCV000994380.8), dbSNP rs1787574873, ClinGen allele CA367738364.